The following is an entry in ClinVar:

ClinVar aggregate classification (germline): Uncertain significance (1 of 4 stars; one submission).

gnomAD v4.1: 3 of 1,613,868 alleles (0.00019%); highest among the groups gnomAD compares: Admixed American, 0.0017%; no homozygotes.

Submission:

Labcorp Genetics (formerly Invitae), Labcorp
Classification: Uncertain significance. Last evaluated: 2025-11-01. Review status: criteria provided, single submitter. Criteria: Invitae Variant Classification Sherloc (09022015). Collection method: clinical testing. Allele origin: germline.
Comment: This sequence change replaces leucine, which is neutral and non-polar, with proline, which is neutral and non-polar, at codon 901 of the NBAS protein (p.Leu901Pro). This variant is not present in population databases (gnomAD no frequency). This variant has not been reported in the literature in individuals affected with NBAS-related conditions. Invitae Evidence Modeling of protein sequence and biophysical properties (such as structural, functional, and spatial information, amino acid conservation, physicochemical variation, residue mobility, and thermodynamic stability) indicates that this missense variant is expected to disrupt NBAS protein function with a positive predictive value of 95%. In summary, the available evidence is currently insufficient to determine the role of this variant in disease. Therefore, it has been classified as a Variant of Uncertain Significance.

NM_015909.4(NBAS):c.2702T>C (p.Leu901Pro)

Gene: NBAS (NBAS subunit of NRZ tethering complex; minus strand). Cytogenetic location: 2p24.3.
Variant type: single nucleotide variant.
Coding change: c.2702T>C on transcript NM_015909.4 (MANE Select); coding-DNA position 2702, T replaced by C.
Protein change: p.Leu901Pro; replaces leucine 901 with proline.
Molecular consequence: missense variant. On other transcripts: non-coding transcript variant (1).
Genome position (GRCh38, 1-based): chr2:15,417,588, A>G on the plus strand (T>C on the coding strand, the complement: NBAS is on the minus strand). VCF-style: chr2-15417588-A-G. GRCh37 (hg19) VCF-style: chr2-15557712-A-G.
Other names: short protein forms L901P.
Identifiers: ClinVar variation 4803752 (VCV004803752.1).